The following is an entry in ClinVar:

ClinVar aggregate classification (germline): Conflicting classifications of pathogenicity. Review status: criteria provided, conflicting classifications (1 of 4 stars). 4 submissions from 4 submitters: Pathogenic (1); Uncertain significance (3). Last evaluated 2025-09-03.

Conditions:
Hyperthyroidism. Identifiers: MedGen C0020550, MONDO:0004425, HP:0000836.

Submissions (4):

Women's Health and Genetics/Laboratory Corporation of America, LabCorp
Classification: Uncertain significance. Last evaluated: 2025-09-03. Review status: criteria provided, single submitter. Criteria: LabCorp Variant Classification Summary - May 2015. Collection method: clinical testing. Allele origin: germline.
Comment: Variant summary: THRB c.1147C>T (p.Arg383Cys) results in a non-conservative amino acid change located in the Nuclear hormone receptor, ligand-binding domain (IPR000536) of the encoded protein sequence. Algorithms developed to predict the effect of missense changes on protein structure and function all suggest that this variant is likely to be disruptive. Consensus agreement among computation tools predict no significant impact on normal splicing. However, these predictions have yet to be confirmed by functional studies. The variant was absent in 251336 control chromosomes. c.1147C>T has been reported in two individuals from a family affected with Thyroid Hormone Resistance, Generalized, Autosomal Dominant (Narumi_2010). These data indicate that the variant may be associated with disease. To our knowledge, no experimental evidence demonstrating an impact on protein function has been reported. The following publication have been ascertained in the context of this evaluation (PMID: 23926384). ClinVar contains an entry for this variant (Variation ID: 619915). Based on the evidence outlined above, the variant was classified as VUS-possibly pathogenic.

GeneDx
Classification: Uncertain significance. Last evaluated: 2025-05-07. Review status: criteria provided, single submitter. Criteria: GeneDx Variant Classification Process June 2021. Collection method: clinical testing. Allele origin: germline. Affected: yes.
Comment: Not observed at significant frequency in large population cohorts (gnomAD); In silico analysis supports that this missense variant has a deleterious effect on protein structure/function; This variant is associated with the following publications: (PMID: 20237409, 23926384, 11458173, 32217468)

Cambridge Genomics Laboratory, East Genomic Laboratory Hub, NHS Genomic Medicine Service
Classification: Pathogenic for Hyperthyroidism. Last evaluated: 2024-11-26. Review status: criteria provided, single submitter. Criteria: ACGS Best Practice Guidelines for Variant Classification in Rare Disease 2020. Collection method: clinical testing. Allele origin: germline. Affected: yes.
Comment: PS4_Moderate,PM1_Supporting,PM2,PM5,PP1,PP3,PP4

Quest Diagnostics Nichols Institute San Juan Capistrano
Classification: Uncertain significance. Last evaluated: 2021-05-20. Review status: criteria provided, single submitter. Criteria: Quest Diagnostics criteria. Collection method: clinical testing. Allele origin: unknown.

Literature cited by the submitters: PubMed 23926384 (cited by Women's Health and Genetics/Laboratory Corporation of America, LabCorp and Quest Diagnostics Nichols Institute San Juan Capistrano); PubMed 8040316 (cited by Quest Diagnostics Nichols Institute San Juan Capistrano); PubMed 32217468 (cited by Quest Diagnostics Nichols Institute San Juan Capistrano); PubMed 11458173 (cited by Quest Diagnostics Nichols Institute San Juan Capistrano); PubMed 22696245 (cited by Quest Diagnostics Nichols Institute San Juan Capistrano); PubMed 18803680 (cited by Quest Diagnostics Nichols Institute San Juan Capistrano); PubMed 20237409 (cited by Quest Diagnostics Nichols Institute San Juan Capistrano).

NM_001354712.2(THRB):c.1147C>T (p.Arg383Cys)

Gene: THRB (thyroid hormone receptor beta; minus strand). Cytogenetic location: 3p24.2.
Variant type: single nucleotide variant.
Coding change: c.1147C>T on transcript NM_001354712.2 (MANE Select); coding-DNA position 1147, C replaced by T.
Protein change: p.Arg383Cys; replaces arginine 383 with cysteine.
Molecular consequence: missense variant.
Genome position (GRCh38, 1-based): chr3:24,123,123, G>A on the plus strand (C>T on the coding strand, the complement: THRB is on the minus strand). VCF-style: chr3-24123123-G-A. GRCh37 (hg19) VCF-style: chr3-24164614-G-A.
Other names: c.1147C>T, p.Arg383Cys (NM_000461.5, NM_001128176.3, NM_001128177.2 and 6 more transcripts); c.1054C>T, p.Arg352Cys (NM_001354714.2, NM_001354715.2); short protein forms R383C, R352C.
Identifiers: ClinVar variation 619915 (VCV000619915.6), dbSNP rs1559388949, ClinGen allele CA351887165.